The following is an entry in ClinVar:

ClinVar aggregate classification (germline): Uncertain significance (1 of 4 stars; one submission).

Conditions:
Charcot-Marie-Tooth disease type 2. Also called: Charcot-Marie-Tooth type 2. Identifiers: Orphanet 64746, MedGen C0270914, MONDO:0018993.

Submission:

Labcorp Genetics (formerly Invitae), Labcorp
Classification: Uncertain significance for Charcot-Marie-Tooth disease type 2. Last evaluated: 2018-09-17. Review status: criteria provided, single submitter. Criteria: Invitae Variant Classification Sherloc (09022015). Collection method: clinical testing. Allele origin: germline.
Comment: In summary, the available evidence is currently insufficient to determine the role of this variant in disease. Therefore, it has been classified as a Variant of Uncertain Significance. Algorithms developed to predict the effect of missense changes on protein structure and function are either unavailable or do not agree on the potential impact of this missense change (SIFT: "Tolerated"; PolyPhen-2: "Probably Damaging"; Align-GVGD: "Class C0"). This variant has not been reported in the literature in individuals with AARS-related disease. This variant is not present in population databases (ExAC no frequency). This sequence change replaces aspartic acid with asparagine at codon 687 of the AARS protein (p.Asp687Asn). The aspartic acid residue is highly conserved and there is a small physicochemical difference between aspartic acid and asparagine.

NM_001605.3(AARS1):c.2059G>A (p.Asp687Asn)

Gene: AARS1 (alanyl-tRNA synthetase 1; minus strand). Cytogenetic location: 16q22.1.
Variant type: single nucleotide variant.
Coding change: c.2059G>A on transcript NM_001605.3 (MANE Select); coding-DNA position 2059, G replaced by A.
Protein change: p.Asp687Asn; replaces aspartic acid 687 with asparagine.
Molecular consequence: missense variant.
Genome position (GRCh38, 1-based): chr16:70,258,151, C>T on the plus strand (G>A on the coding strand, the complement: AARS1 is on the minus strand). VCF-style: chr16-70258151-C-T. GRCh37 (hg19) VCF-style: chr16-70292054-C-T.
Other names: short protein forms D687N.
Identifiers: ClinVar variation 645157 (VCV000645157.8), dbSNP rs1597435277, ClinGen allele CA396557738.